The following is an entry in ClinVar:

NM_020921.4(NIN):c.3487G>C (p.Val1163Leu)

Gene: NIN (ninein; minus strand). Cytogenetic location: 14q22.1.
Variant type: single nucleotide variant.
Coding change: c.3487G>C on transcript NM_020921.4 (MANE Select); coding-DNA position 3487, G replaced by C.
Protein change: p.Val1163Leu; replaces valine 1163 with leucine.
Molecular consequence: missense variant. On other transcripts: intron variant (1).
Genome position (GRCh38, 1-based): chr14:50,757,543, C>G on the plus strand (G>C on the coding strand, the complement: NIN is on the minus strand). VCF-style: chr14-50757543-C-G. GRCh37 (hg19) VCF-style: chr14-51224261-C-G.
Other names: c.3487G>C, p.Val1163Leu (NM_182944.3, NM_182946.2); c.2399+2314G>C (NM_016350.5); short protein forms V1163L.
Identifiers: ClinVar variation 211608 (VCV000211608.9), dbSNP rs139059875, ClinGen allele CA209351.
Genomic context (GRCh38, chr14:50,757,543, plus strand): 5'-GCTCAGAAAAACCCTCTACTGAAGCTTCAGACTCCTCTATTTTGACTTCCTGTCTCTGAA[C>G]AGAGCTCGTCCCTGTACTTCCCAGGTCCCGGACCTCATCATCTTCCAGGTCACTTAGGAC-3'
Protein context (NP_065972.4, residues 1153-1173): RDLGSTGTSS[Val1163Leu]QRQEVKIEES

ClinVar aggregate classification (germline): Uncertain significance. Review status: criteria provided, multiple submitters, no conflicts (2 of 4 stars). 2 submissions from 2 submitters: Uncertain significance (2). Last evaluated 2026-01-24.

Allele frequency attached by ClinVar (database versions not stated): 1000 Genomes Project 0.00060; 1000 Genomes Project 30x 0.00062; TOPMed 0.00086; gnomAD 0.00088; ESP Exome Variant Server 0.00131.
gnomAD v4.1: 2,395 of 1,614,116 alleles (0.15%); highest among the groups gnomAD compares: Non-Finnish European, 0.19%; 5 homozygotes.

Submissions (2):

Labcorp Genetics (formerly Invitae), Labcorp
Classification: Uncertain significance. Last evaluated: 2026-01-24. Review status: criteria provided, single submitter. Criteria: Invitae Variant Classification Sherloc (09022015). Collection method: clinical testing. Allele origin: germline.
Comment: This sequence change replaces valine, which is neutral and non-polar, with leucine, which is neutral and non-polar, at codon 1163 of the NIN protein (p.Val1163Leu). This variant is present in population databases (rs139059875, gnomAD 0.1%), and has an allele count higher than expected for a pathogenic variant. This variant has not been reported in the literature in individuals affected with NIN-related conditions. ClinVar contains an entry for this variant (Variation ID: 211608). An algorithm developed to predict the effect of missense changes on protein structure and function outputs the following: PolyPhen-2: "Benign". The leucine amino acid residue is found in multiple mammalian species, which suggests that this missense change does not adversely affect protein function. In summary, the available evidence is currently insufficient to determine the role of this variant in disease. Therefore, it has been classified as a Variant of Uncertain Significance.

Genetic Services Laboratory, University of Chicago
Classification: Uncertain significance. Last evaluated: 2015-03-04. Review status: criteria provided, single submitter. Criteria: ACMG Guidelines, 2015. Collection method: clinical testing. Allele origin: germline.